The following is an entry in ClinVar:

NM_133259.4(LRPPRC):c.3313dup (p.Ala1105fs)

Gene: LRPPRC (leucine rich pentatricopeptide repeat containing; minus strand). Cytogenetic location: 2p21.
Variant type: Duplication.
Coding change: c.3313dup on transcript NM_133259.4 (MANE Select); coding-DNA position 3313, one base duplicated (G; older notation c.3313dupG).
Protein change: p.Ala1105fs; shifts the reading frame from alanine 1105.
Molecular consequence: frameshift variant.
Genome position (GRCh38, 1-based): chr2:43,905,743, C duplicated on the plus strand (G on the coding strand, the reverse complement: LRPPRC is on the minus strand). VCF-style (leftmost placement, unchanged base first): chr2-43905742-G-GC. GRCh37 (hg19) VCF-style: chr2-44132881-G-GC.
Other names: short protein forms A1105fs.
Identifiers: ClinVar variation 1725882 (VCV001725882.2), dbSNP rs2466401355, ClinGen allele CA2580066468.

ClinVar aggregate classification (germline): Likely pathogenic (1 of 4 stars; one submission).

Conditions:
Congenital lactic acidosis, Saguenay-Lac-Saint-Jean type (MC4DN5). Also called: CYTOCHROME c OXIDASE DEFICIENCY, FRENCH CANADIAN TYPE; COX DEFICIENCY, FRENCH CANADIAN TYPE; MITOCHONDRIAL COMPLEX IV DEFICIENCY, NUCLEAR TYPE 5. Identifiers: Orphanet 70472, MedGen C1857355, MONDO:0009069, OMIM 220111.

Submission:

Myriad Genetics, Inc.
Classification: Likely pathogenic for Congenital lactic acidosis, Saguenay-Lac-Saint-Jean type. Last evaluated: 2022-04-04. Review status: criteria provided, single submitter. Criteria: Myriad Women's Health Autosomal Recessive and X-Linked Classification Criteria (2021). Collection method: clinical testing. Allele origin: unknown.
Comment: NM_133259.3(LRPPRC):c.3313dupG(A1105Gfs*12) is expected to be pathogenic in the context of Leigh syndrome, French-Canadian type. This variant is predicted to lead to an abnormal or absent protein product due to the creation of a premature termination codon in LRPPRC, a gene where loss-of-function variants are known to be pathogenic. Please note: this variant was assessed in the context of healthy population screening.